The following is an entry in ClinVar:

ClinVar aggregate classification (germline): Uncertain significance (1 of 4 stars; one submission).

Conditions:
Inborn genetic diseases. Identifiers: MedGen C0950123, MeSH D030342.

Submission:

Ambry Genetics
Classification: Uncertain significance for Inborn genetic diseases. Last evaluated: 2022-02-15. Review status: criteria provided, single submitter. Criteria: Ambry Variant Classification Scheme 2023. Collection method: clinical testing. Allele origin: germline.
Comment: The c.4942_4943delTCinsAT (p.S1648M) alteration, located in exon 7 (coding exon 7) of the WDR81 gene, consists of an in-frame substitution of 2 nucleotides from position 4942 to 4943, causing the serine (S) at amino acid position 1648 to be replaced by a methionine (M). Based on insufficient or conflicting evidence, the clinical significance of this alteration remains unclear.

NM_001163809.2(WDR81):c.4942_4943delinsAT (p.Ser1648Met)

Gene: WDR81 (WD repeat domain 81; plus strand). Cytogenetic location: 17p13.3.
Variant type: Indel.
Coding change: c.4942_4943delinsAT on transcript NM_001163809.2 (MANE Select); coding-DNA positions 4942 to 4943, TC replaced by AT.
Protein change: p.Ser1648Met; replaces serine 1648 with methionine.
Molecular consequence: missense variant.
Genome position (GRCh38, 1-based): chr17:1,733,979-1,733,980, TC replaced by AT. VCF-style: chr17-1733979-TC-AT. GRCh37 (hg19) VCF-style: chr17-1637273-TC-AT.
Other names: c.1333_1334delinsAT, p.Ser445Met (NM_001163673.2); c.1261_1262delinsAT, p.Ser421Met (NM_001163811.2); c.1789_1790delinsAT, p.Ser597Met (NM_152348.4); short protein forms S1648M, S445M, S421M, S597M.
Identifiers: ClinVar variation 2271783 (VCV002271783.2), dbSNP rs2543909076, ClinGen allele CA2580092446.